The following is an entry in ClinVar:

NM_000222.3(KIT):c.707A>C (p.Lys236Thr)

Gene: KIT (KIT proto-oncogene, receptor tyrosine kinase; plus strand). Cytogenetic location: 4q12.
Variant type: single nucleotide variant.
Coding change: c.707A>C on transcript NM_000222.3 (MANE Select); coding-DNA position 707, A replaced by C.
Protein change: p.Lys236Thr; replaces lysine 236 with threonine.
Molecular consequence: missense variant.
Genome position (GRCh38, 1-based): chr4:54,699,717, A>C. VCF-style: chr4-54699717-A-C. GRCh37 (hg19) VCF-style: chr4-55565883-A-C.
Other names: c.707A>C, p.Lys236Thr (NM_001093772.2, NM_001385284.1, NM_001385285.1 and 4 more transcripts); short protein forms K236T.
Identifiers: ClinVar variation 574979 (VCV000574979.11), dbSNP rs374957554, ClinGen allele CA2923297.

ClinVar aggregate classification (germline): Conflicting classifications of pathogenicity. Review status: criteria provided, conflicting classifications (1 of 4 stars). 2 submissions from 2 submitters: Uncertain significance (1); Likely benign (1). Last evaluated 2025-12-22.

Conditions:
Hereditary cancer-predisposing syndrome. Also called: Hereditary Cancer Syndrome; Tumor predisposition; Neoplastic Syndromes, Hereditary; Hereditary neoplastic syndrome. Identifiers: Orphanet 140162, MedGen C0027672, MeSH D009386, MONDO:0015356.
Gastrointestinal stromal tumor. Also called: Gastrointestinal stromal tumor, somatic; Gastrointestinal stroma tumor. Identifiers: Orphanet 44890, MedGen C0238198, MeSH D046152, MONDO:0011719, OMIM 606764, HP:0100723.

Allele frequency attached by ClinVar (database versions not stated): ExAC 0.00001; gnomAD 0.00001; TOPMed 0.00001; ESP Exome Variant Server 0.00008.
gnomAD v4.1: 15 of 1,613,912 alleles (0.00093%); highest among the groups gnomAD compares: Non-Finnish European, 0.0011%; no homozygotes.

Submissions (2):

Labcorp Genetics (formerly Invitae), Labcorp
Classification: Uncertain significance for Gastrointestinal stromal tumor. Last evaluated: 2025-12-22. Review status: criteria provided, single submitter. Criteria: Invitae Variant Classification Sherloc (09022015). Collection method: clinical testing. Allele origin: germline.
Comment: This sequence change replaces lysine, which is basic and polar, with threonine, which is neutral and polar, at codon 236 of the KIT protein (p.Lys236Thr). This variant is present in population databases (rs374957554, gnomAD 0.0009%). This variant has not been reported in the literature in individuals affected with KIT-related conditions. ClinVar contains an entry for this variant (Variation ID: 574979). An algorithm developed to predict the effect of missense changes on protein structure and function (PolyPhen-2) suggests that this variant is likely to be tolerated. In summary, the available evidence is currently insufficient to determine the role of this variant in disease. Therefore, it has been classified as a Variant of Uncertain Significance.

Ambry Genetics
Classification: Likely benign for Hereditary cancer-predisposing syndrome. Last evaluated: 2024-03-26. Review status: criteria provided, single submitter. Criteria: Ambry Variant Classification Scheme 2023. Collection method: clinical testing. Allele origin: germline.